The following is an entry in ClinVar:

NM_001130144.3(LTBP3):c.3658G>A (p.Glu1220Lys)

Gene: LTBP3 (latent transforming growth factor beta binding protein 3; minus strand). Cytogenetic location: 11q13.1.
Variant type: single nucleotide variant.
Coding change: c.3658G>A on transcript NM_001130144.3 (MANE Select); coding-DNA position 3658, G replaced by A.
Protein change: p.Glu1220Lys; replaces glutamic acid 1220 with lysine.
Molecular consequence: missense variant.
Genome position (GRCh38, 1-based): chr11:65,539,430, C>T on the plus strand (G>A on the coding strand, the complement: LTBP3 is on the minus strand). VCF-style: chr11-65539430-C-T. GRCh37 (hg19) VCF-style: chr11-65306901-C-T.
Other names: c.3166G>A, p.Glu1056Lys (NM_001164266.1); c.3517G>A, p.Glu1173Lys (NM_021070.4); c.3658G>A (NM_001130144.2); short protein forms E1056K, E1173K, E1220K.
Identifiers: ClinVar variation 2078468 (VCV002078468.4), dbSNP rs749244619, ClinGen allele CA6100202.
Genomic context (GRCh38, chr11:65,539,430, plus strand): 5'-GACACTCGCACACGGCGCCGCCCGGCCGCGGCACGCAGCGGCCACTCACGCAGCGACACT[C>T]GTCTGAATCCTCCTCTGAACTGTCCTCATCTGCGTGGCCCGGAACAATATGGACTTCAAC-3'
Protein context (NP_001123616.1, residues 1210-1230): DEDSSEEDSD[Glu1220Lys]CRCVSGRCVP

ClinVar aggregate classification (germline): Uncertain significance. Review status: criteria provided, multiple submitters, no conflicts (2 of 4 stars). 2 submissions from 2 submitters: Uncertain significance (2). Last evaluated 2025-04-20.

Conditions:
Brachyolmia-amelogenesis imperfecta syndrome. Also called: PLATYSPONDYLY WITH AMELOGENESIS IMPERFECTA; Tooth agenesis, selective, 6; Dental anomalies and short stature. Identifiers: Orphanet 2899, MedGen C1832594, MONDO:0011018, OMIM 601216. Disease mechanism: loss of function.
Inborn genetic diseases. Identifiers: MedGen C0950123, MeSH D030342.

Allele frequency attached by ClinVar (database versions not stated): gnomAD exomes 0.00001; gnomAD 0.00001; ExAC 0.00005; TOPMed 0.00002.
gnomAD v4.1: 12 of 1,554,854 alleles (0.00077%); highest among the groups gnomAD compares: South Asian, 0.0083%; 1 homozygote.

Submissions (2):

Ambry Genetics
Classification: Uncertain significance for Inborn genetic diseases. Last evaluated: 2025-04-20. Review status: criteria provided, single submitter. Criteria: Ambry Variant Classification Scheme 2023. Collection method: clinical testing. Allele origin: germline.

Labcorp Genetics (formerly Invitae), Labcorp
Classification: Uncertain significance for Brachyolmia-amelogenesis imperfecta syndrome. Last evaluated: 2023-10-15. Review status: criteria provided, single submitter. Criteria: Invitae Variant Classification Sherloc (09022015). Collection method: clinical testing. Allele origin: germline.
Comment: This sequence change replaces glutamic acid, which is acidic and polar, with lysine, which is basic and polar, at codon 1220 of the LTBP3 protein (p.Glu1220Lys). This variant is present in population databases (rs749244619, gnomAD 0.01%). This variant has not been reported in the literature in individuals affected with LTBP3-related conditions. ClinVar contains an entry for this variant (Variation ID: 2078468). An algorithm developed to predict the effect of missense changes on protein structure and function (PolyPhen-2) suggests that this variant is likely to be disruptive. In summary, the available evidence is currently insufficient to determine the role of this variant in disease. Therefore, it has been classified as a Variant of Uncertain Significance.